The following is an entry in ClinVar:

NM_001098484.3(SLC4A4):c.*2864G>A

Gene: SLC4A4 (solute carrier family 4 member 4; plus strand). Cytogenetic location: 4q13.3.
Variant type: single nucleotide variant.
Coding change: c.*2864G>A on transcript NM_001098484.3 (MANE Select); 2864 bases downstream of the stop codon, G replaced by A.
Molecular consequence: 3 prime UTR variant.
Genome position (GRCh38, 1-based): chr4:71,570,615, G>A. VCF-style: chr4-71570615-G-A. GRCh37 (hg19) VCF-style: chr4-72436332-G-A.
Other names: NC_000004.11:g.72436332G>A; c.*2722G>A (NM_001134742.2); c.*2864G>A (NM_003759.4).
Identifiers: ClinVar variation 349600 (VCV000349600.6), dbSNP rs72854486, ClinGen allele CA10619163.

ClinVar aggregate classification (germline): Benign (1 of 4 stars; one submission).

Conditions:
Autosomal recessive proximal renal tubular acidosis (PRTAO). Also called: RENAL TUBULAR ACIDOSIS, PROXIMAL, WITH OCULAR ABNORMALITIES AND MENTAL RETARDATION; RENAL TUBULAR ACIDOSIS, PROXIMAL, WITH OCULAR ABNORMALITIES AND IMPAIRED INTELLECTUAL DEVELOPMENT; PROXIMAL RENAL TUBULAR ACIDOSIS-OCULAR ANOMALY SYNDROME; RTA, PROXIMAL, AUTOSOMAL RECESSIVE. Identifiers: Orphanet 93607, MedGen C1970309, MONDO:0011422, OMIM 604278.

Allele frequency attached by ClinVar (database versions not stated): gnomAD 0.00596 and 0.00630; 1000 Genomes Project 30x 0.00656; TOPMed 0.00676; 1000 Genomes Project 0.00679.

Submissions (2):

Illumina Laboratory Services, Illumina
Classification: Benign for Autosomal recessive proximal renal tubular acidosis. Last evaluated: 2018-01-12. Review status: criteria provided, single submitter. Criteria: ICSL Variant Classification Criteria 13 December 2019. Collection method: clinical testing. Allele origin: germline.
Comment: This variant was observed in the ICSL laboratory as part of a predisposition screen in an ostensibly healthy population. It had not been previously curated by ICSL or reported in the Human Gene Mutation Database (HGMD: prior to June 1st, 2018), and was therefore a candidate for classification through an automated scoring system. Utilizing variant allele frequency, disease prevalence and penetrance estimates, and inheritance mode, an automated score was calculated to assess if this variant is too frequent to cause the disease. Based on the score and internal cut-off values, a variant classified as benign is not then subjected to further curation. The score for this variant resulted in a classification of benign for this disease.

Dr. Peter K. Rogan Lab, Western University
No classification provided (evidence only). Condition: Cervical cancer. Review status: no classification provided. Collection method: in vitro. Allele origin: not applicable. Functional consequence: retained intron. Not counted in ClinVar's aggregate classification.